The following is an entry in ClinVar:

ClinVar aggregate classification (germline): Uncertain significance (1 of 4 stars; one submission).

Conditions:
Cardiac arrhythmia. Also called: Arrhythmia; Cardiac rhythm disease. Identifiers: MedGen C0003811, MONDO:0007263, HP:0011675.

Allele frequency attached by ClinVar (database versions not stated): TOPMed below 0.00001.

Submission:

Labcorp Genetics (formerly Invitae), Labcorp
Classification: Uncertain significance for Cardiac arrhythmia. Last evaluated: 2025-02-23. Review status: criteria provided, single submitter. Criteria: Invitae Variant Classification Sherloc (09022015). Collection method: clinical testing. Allele origin: germline.
Comment: This sequence change falls in intron 4 of the RANGRF gene. It does not directly change the encoded amino acid sequence of the RANGRF protein. This variant is not present in population databases (gnomAD no frequency). This variant has not been reported in the literature in individuals affected with RANGRF-related conditions. ClinVar contains an entry for this variant (Variation ID: 2066385). Algorithms developed to predict the effect of sequence changes on RNA splicing suggest that this variant may create or strengthen a splice site. In summary, the available evidence is currently insufficient to determine the role of this variant in disease. Therefore, it has been classified as a Variant of Uncertain Significance.

NM_016492.5(RANGRF):c.437+9G>T

Genes: RANGRF (RAN guanine nucleotide release factor; plus strand), SLC25A35 (solute carrier family 25 member 35; minus strand). Cytogenetic location: 17p13.1.
Variant type: single nucleotide variant.
Coding change: c.437+9G>T on transcript NM_016492.5 (MANE Select); 9 bases into the intron after coding-DNA position 437, G replaced by T.
Molecular consequence: intron variant. On other transcripts: 3 prime UTR variant (5), non-coding transcript variant (2).
Genome position (GRCh38, 1-based): chr17:8,289,597, G>T. VCF-style: chr17-8289597-G-T. GRCh37 (hg19) VCF-style: chr17-8192915-G-T.
Other names: c.*5G>T (NM_001177801.2); c.*36G>T (NM_001177802.2); c.*19C>A (NM_001320871.2, NM_001320872.2, NM_201520.3); c.351+183G>T (NM_001330127.2).
Identifiers: ClinVar variation 2066385 (VCV002066385.3), dbSNP rs994505259, ClinGen allele CA287554583.